The following is an entry in ClinVar:

ClinVar aggregate classification (germline): Uncertain significance. Review status: criteria provided, single submitter (1 of 4 stars). 2 submissions from 2 submitters: Uncertain significance (1). 1 of the submissions does not count toward it. Last evaluated 2026-01-27.

Conditions:
Duchenne muscular dystrophy (DMD). Also called: MUSCULAR DYSTROPHY, PSEUDOHYPERTROPHIC PROGRESSIVE, DUCHENNE TYPE; Duchenne Muscular Dystrophy (DMD). Identifiers: Orphanet 98896, MedGen C0013264, MONDO:0010679, OMIM 310200.

Allele frequency attached by ClinVar (database versions not stated): gnomAD exomes below 0.00001.
gnomAD v4.1: 4 of 1,211,480 alleles (0.00033%); highest among the groups gnomAD compares: Non-Finnish European, 0.00045%; no homozygotes.

Submissions (2):

Labcorp Genetics (formerly Invitae), Labcorp
Classification: Uncertain significance for Duchenne muscular dystrophy. Last evaluated: 2026-01-27. Review status: criteria provided, single submitter. Criteria: Invitae Variant Classification Sherloc (09022015). Collection method: clinical testing. Allele origin: germline.
Comment: This sequence change replaces aspartic acid, which is acidic and polar, with valine, which is neutral and non-polar, at codon 327 of the DMD protein (p.Asp327Val). This variant is not present in population databases (gnomAD no frequency). This variant has not been reported in the literature in individuals affected with DMD-related conditions. ClinVar contains an entry for this variant (Variation ID: 1050619). Invitae Evidence Modeling of protein sequence and biophysical properties (such as structural, functional, and spatial information, amino acid conservation, physicochemical variation, residue mobility, and thermodynamic stability) indicates that this missense variant is not expected to disrupt DMD protein function with a negative predictive value of 95%. In summary, the available evidence is currently insufficient to determine the role of this variant in disease. Therefore, it has been classified as a Variant of Uncertain Significance.

Department of Pathology and Laboratory Medicine, Sinai Health System
Classification: Uncertain significance. Review status: no assertion criteria provided. Collection method: clinical testing. Allele origin: unknown. Affected: yes. Study: The Canadian Open Genetics Repository (COGR). Not counted in ClinVar's aggregate classification.
Comment: The DMD p.Asp319Val variant was not identified in the literature nor was it identified in dbSNP, ClinVar, LOVD 3.0 or in the following control databases: the 1000 Genomes Project, the NHLBI GO Exome Sequencing Project, or the Genome Aggregation Database (March 6, 2019, v2.1.1). The p.Asp319 residue is not conserved in mammals and four out of five computational analyses (PolyPhen-2, SIFT, AlignGVGD, BLOSUM, MutationTaster) do not suggest a high likelihood of impact to the protein; however, this information is not predictive enough to rule out pathogenicity. The variant occurs outside of the splicing consensus sequence and in silico or computational prediction software programs (SpliceSiteFinder, MaxEntScan, NNSPLICE, GeneSplicer) do not predict a difference in splicing. In summary, based on the above information the clinical significance of this variant cannot be determined with certainty at this time. This variant is classified as a variant of uncertain significance.

NM_004006.3(DMD):c.980A>T (p.Asp327Val)

Gene: DMD (dystrophin; minus strand). Cytogenetic location: Xp21.1.
Variant type: single nucleotide variant.
Coding change: c.980A>T on transcript NM_004006.3 (MANE Select); coding-DNA position 980, A replaced by T.
Protein change: p.Asp327Val; replaces aspartic acid 327 with valine.
Molecular consequence: missense variant.
Genome position (GRCh38, 1-based): chrX:32,645,133, T>A on the plus strand (A>T on the coding strand, the complement: DMD is on the minus strand). VCF-style: chrX-32645133-T-A. GRCh37 (hg19) VCF-style: chrX-32663250-T-A.
Other names: c.956A>T, p.Asp319Val (NM_000109.4); c.968A>T, p.Asp323Val (NM_004009.3); c.611A>T, p.Asp204Val (NM_004010.3); short protein forms D204V, D319V, D323V, D327V.
Identifiers: ClinVar variation 1050619 (VCV001050619.2), dbSNP rs2146835747, ClinGen allele CA412662369.